The following is an entry in ClinVar:

NM_002055.5(GFAP):c.694A>G (p.Thr232Ala)

Gene: GFAP (glial fibrillary acidic protein; minus strand). Cytogenetic location: 17q21.31.
Variant type: single nucleotide variant.
Coding change: c.694A>G on transcript NM_002055.5 (MANE Select); coding-DNA position 694, A replaced by G.
Protein change: p.Thr232Ala; replaces threonine 232 with alanine.
Molecular consequence: missense variant.
Genome position (GRCh38, 1-based): chr17:44,913,355, T>C on the plus strand (A>G on the coding strand, the complement: GFAP is on the minus strand). VCF-style: chr17-44913355-T-C. GRCh37 (hg19) VCF-style: chr17-42990723-T-C.
Other names: p.Thr232Ala; c.694A>G, p.Thr232Ala (NM_001131019.3, NM_001242376.3, NM_001363846.2); short protein forms T232A.
Identifiers: ClinVar variation 2683430 (VCV002683430.1), dbSNP rs1182170998, ClinGen allele CA399845779.

ClinVar aggregate classification (germline): Uncertain significance (1 of 4 stars; one submission).

Submission:

Mayo Clinic Laboratories, Mayo Clinic
Classification: Uncertain significance. Last evaluated: 2023-01-31. Review status: criteria provided, single submitter. Criteria: ACMG Guidelines, 2015. Collection method: clinical testing. Allele origin: germline. Observed: 1 variant allele.
Comment: PP3, PM2